The following is an entry in ClinVar:

NM_000484.4(APP):c.1090+3dup

Gene: APP (amyloid beta precursor protein; minus strand). Cytogenetic location: 21q21.3.
Variant type: Duplication.
Coding change: c.1090+3dup on transcript NM_000484.4 (MANE Select); 3 bases into the intron after coding-DNA position 1090, one base duplicated (A; older notation c.1090+3dupA).
Molecular consequence: intron variant.
Genome position (GRCh38, 1-based): chr21:25,997,357, T duplicated on the plus strand (A on the coding strand, the reverse complement: APP is on the minus strand). VCF-style (leftmost placement, unchanged base first): chr21-25997356-G-GT. GRCh37 (hg19) VCF-style: chr21-27369671-G-GT.
Other names: c.761-14880dup (NM_001136131.3); c.698-14880dup (NM_001136129.3); c.922+3dup (NM_001136130.3, NM_001385253.1); c.866-14880dup (NM_001204303.2, NM_201414.3); c.1033+2658dup (NM_001204302.2, NM_201413.3); c.1090+3dup (NM_001204301.2); c.1018+2658dup (NM_001136016.3).
Identifiers: ClinVar variation 3046667 (VCV003046667.4), dbSNP rs1555839726, ClinGen allele CA409810779.

ClinVar aggregate classification (germline): Uncertain significance. Review status: criteria provided, multiple submitters, no conflicts (2 of 4 stars). 3 submissions from 3 submitters: Uncertain significance (2). 1 of the submissions does not count toward it. Last evaluated 2026-08-01.

Conditions:
APP-related disorder. Also called: APP-related condition.

Allele frequency attached by ClinVar (database versions not stated): gnomAD 0.00001; TOPMed 0.00001; gnomAD exomes 0.00002; ESP Exome Variant Server 0.00008.

Submissions (3):

CeGaT Center for Human Genetics Tuebingen
Classification: Uncertain significance. Last evaluated: 2026-08-01. Review status: criteria provided, single submitter. Criteria: CeGaT Center For Human Genetics Tuebingen Variant Classification Criteria Version 2. Collection method: clinical testing. Allele origin: germline. Affected: yes. Observed: 1 variant allele.
Comment: APP: PP3

Mayo Clinic Laboratories, Mayo Clinic
Classification: Uncertain significance. Last evaluated: 2025-12-09. Review status: criteria provided, single submitter. Criteria: ACMG Guidelines, 2015. Collection method: clinical testing. Allele origin: germline. Observed: 3 variant alleles.
Comment: BS2

PreventionGenetics, part of Exact Sciences
Classification: Uncertain significance for APP-related condition. Last evaluated: 2024-02-12. Review status: no assertion criteria provided. Collection method: clinical testing. Allele origin: germline. Not counted in ClinVar's aggregate classification.
Comment: The APP c.1090+3dupA variant is predicted to result in an intronic duplication. To our knowledge, this variant has not been reported in the literature or in a large population database, indicating this variant is rare. At this time, the clinical significance of this variant is uncertain due to the absence of conclusive functional and genetic evidence.